The following is an entry in ClinVar:

NM_020762.4(SRGAP1):c.1476G>A (p.Lys492=)

Gene: SRGAP1 (SLIT-ROBO Rho GTPase activating protein 1; plus strand). Cytogenetic location: 12q14.2.
Variant type: single nucleotide variant.
Coding change: c.1476G>A on transcript NM_020762.4 (MANE Select); coding-DNA position 1476, G replaced by A.
Protein change: p.Lys492=; no amino-acid change (lysine 492 retained).
Molecular consequence: synonymous variant. On other transcripts: intron variant (1).
Genome position (GRCh38, 1-based): chr12:64,091,315, G>A. VCF-style: chr12-64091315-G-A. GRCh37 (hg19) VCF-style: chr12-64485095-G-A.
Other names: c.1437-578G>A (NM_001346201.2).
Identifiers: ClinVar variation 3044370 (VCV003044370.2), dbSNP rs201170742, ClinGen allele CA6666712.

ClinVar aggregate classification (germline): Likely benign (0 of 4 stars; one submission).

Conditions:
SRGAP1-related disorder. Also called: SRGAP1-related condition.

Allele frequency attached by ClinVar (database versions not stated): gnomAD 0.00004; ExAC 0.00005; TOPMed 0.00005; gnomAD exomes 0.00006; ESP Exome Variant Server 0.00015; 1000 Genomes Project 30x 0.00016; 1000 Genomes Project 0.00020.
gnomAD v4.1: 86 of 1,610,710 alleles (0.0053%); highest among the groups gnomAD compares: Non-Finnish European, 0.0071%; no homozygotes.

Submission:

PreventionGenetics, part of Exact Sciences
Classification: Likely benign for SRGAP1-related condition. Last evaluated: 2019-06-05. Review status: no assertion criteria provided. Collection method: clinical testing. Allele origin: germline.
Comment: This variant is classified as likely benign based on ACMG/AMP sequence variant interpretation guidelines (Richards et al. 2015 PMID: 25741868, with internal and published modifications).